The following is an entry in ClinVar:

ClinVar aggregate classification (germline): Uncertain significance (1 of 4 stars; one submission).

Conditions:
Hereditary diffuse gastric adenocarcinoma (HDGC). Also called: DIFFUSE GASTRIC AND LOBULAR BREAST CANCER SYNDROME. Identifiers: Orphanet 26106, MedGen C1708349, MONDO:0007648, OMIM 137215.

Submission:

Labcorp Genetics (formerly Invitae), Labcorp
Classification: Uncertain significance for Hereditary diffuse gastric adenocarcinoma. Last evaluated: 2020-08-21. Review status: criteria provided, single submitter. Criteria: Invitae Variant Classification Sherloc (09022015). Collection method: clinical testing. Allele origin: germline.
Comment: In summary, the available evidence is currently insufficient to determine the role of this variant in disease. Therefore, it has been classified as a Variant of Uncertain Significance. Algorithms developed to predict the effect of missense changes on protein structure and function output the following: SIFT: "Tolerated"; PolyPhen-2: "Benign"; Align-GVGD: "Class C0". The serine amino acid residue is found in multiple mammalian species, suggesting that this missense change does not adversely affect protein function. These predictions have not been confirmed by published functional studies and their clinical significance is uncertain. This variant has not been reported in the literature in individuals with CDH1-related conditions. This variant is not present in population databases (ExAC no frequency). This sequence change replaces alanine with serine at codon 657 of the CDH1 protein (p.Ala657Ser). The alanine residue is weakly conserved and there is a moderate physicochemical difference between alanine and serine.

NM_004360.5(CDH1):c.1969G>T (p.Ala657Ser)

Gene: CDH1 (cadherin 1; plus strand). Cytogenetic location: 16q22.1.
Variant type: single nucleotide variant.
Coding change: c.1969G>T on transcript NM_004360.5 (MANE Select); coding-DNA position 1969, G replaced by T.
Protein change: p.Ala657Ser; replaces alanine 657 with serine.
Molecular consequence: missense variant.
Genome position (GRCh38, 1-based): chr16:68,823,431, G>T. VCF-style: chr16-68823431-G-T. GRCh37 (hg19) VCF-style: chr16-68857334-G-T.
Other names: c.4G>T, p.Ala2Ser (NM_001317186.2); c.1786G>T, p.Ala596Ser (NM_001317184.2); c.421G>T, p.Ala141Ser (NM_001317185.2); short protein forms A141S, A2S, A596S, A657S.
Identifiers: ClinVar variation 1035707 (VCV001035707.9), dbSNP rs1961225323, ClinGen allele CA396467572.